The following is an entry in ClinVar:

ClinVar aggregate classification (germline): Conflicting classifications of pathogenicity. Review status: criteria provided, conflicting classifications (1 of 4 stars). 2 submissions from 2 submitters: Uncertain significance (1); Likely benign (1). Last evaluated 2024-06-24.

Conditions:
Congenital contractural arachnodactyly (CCA). Also called: BEALS SYNDROME; Arthrogryposis, distal, type 9; Beals-Hecht syndrome. Identifiers: Orphanet 115, MedGen C0220668, MONDO:0007363, OMIM 121050.

gnomAD v4.1: 1 of 1,613,922 alleles (0.000062%); highest among the groups gnomAD compares: Admixed American, 0.0017%; no homozygotes.

Submissions (2):

Labcorp Genetics (formerly Invitae), Labcorp
Classification: Likely benign for Congenital contractural arachnodactyly. Last evaluated: 2024-06-24. Review status: criteria provided, single submitter. Criteria: Invitae Variant Classification Sherloc (09022015). Collection method: clinical testing. Allele origin: germline.

GeneDx
Classification: Uncertain significance. Last evaluated: 2022-04-07. Review status: criteria provided, single submitter. Criteria: GeneDx Variant Classification Process June 2021. Collection method: clinical testing. Allele origin: germline. Affected: yes.
Comment: Has not been previously published as pathogenic or benign to our knowledge; Not observed at significant frequency in large population cohorts (gnomAD); In silico analysis supports that this missense variant has a deleterious effect on protein structure/function; Does not affect a cysteine residue within a calcium-binding EGF-like domain of the FBN2 gene; cysteine substitutions in the calcium-binding EGF-like domains represent the majority of pathogenic missense changes associated with FBN2-related disorders (Frdric et al., 2009); This variant is associated with the following publications: (PMID: 18767143)

NM_001999.4(FBN2):c.8537G>T (p.Arg2846Leu)

Gene: FBN2 (fibrillin 2; minus strand). Cytogenetic location: 5q23.3.
Variant type: single nucleotide variant.
Coding change: c.8537G>T on transcript NM_001999.4 (MANE Select); coding-DNA position 8537, G replaced by T.
Protein change: p.Arg2846Leu; replaces arginine 2846 with leucine.
Molecular consequence: missense variant.
Genome position (GRCh38, 1-based): chr5:128,259,657, C>A on the plus strand (G>T on the coding strand, the complement: FBN2 is on the minus strand). VCF-style: chr5-128259657-C-A. GRCh37 (hg19) VCF-style: chr5-127595349-C-A.
Other names: short protein forms R2846L.
Identifiers: ClinVar variation 971720 (VCV000971720.11), dbSNP rs200345491, ClinGen allele CA360745553.